The following is an entry in ClinVar:

NM_015267.4(CUX2):c.17G>T (p.Gly6Val)

Gene: CUX2 (cut like homeobox 2; plus strand). Cytogenetic location: 12q24.11.
Variant type: single nucleotide variant.
Coding change: c.17G>T on transcript NM_015267.4 (MANE Select); coding-DNA position 17, G replaced by T.
Protein change: p.Gly6Val; replaces glycine 6 with valine.
Molecular consequence: missense variant.
Genome position (GRCh38, 1-based): chr12:111,034,194, G>T. VCF-style: chr12-111034194-G-T. GRCh37 (hg19) VCF-style: chr12-111471998-G-T.
Other names: short protein forms G6V.
Identifiers: ClinVar variation 2643290 (VCV002643290.24), dbSNP rs756141763, ClinGen allele CA386917200.
Genomic context (GRCh38, chr12:111,034,194, plus strand): 5'-GAAAAGCCAAACTCTTGTGTGTGCGCGTCTCGATAGCCCCCAAGATGGCCGCCAATGTGG[G>T]ATCGATGTTTCAATATTGGAAGCGATTTGATCTACGGCGACTCCAGGTTAGTGCGGGCAG-3'
Protein context (NP_056082.2, residues 1-16): MAANV[Gly6Val]SMFQYWKRFD

ClinVar aggregate classification (germline): Uncertain significance (1 of 4 stars; one submission).

gnomAD v4.1: 2 of 1,402,656 alleles (0.00014%); highest among the groups gnomAD compares: Non-Finnish European, 0.00019%; no homozygotes.

Submission:

CeGaT Center for Human Genetics Tuebingen
Classification: Uncertain significance. Last evaluated: 2022-07-01. Review status: criteria provided, single submitter. Criteria: CeGaT Center For Human Genetics Tuebingen Variant Classification Criteria Version 2. Collection method: clinical testing. Allele origin: germline. Affected: yes. Observed: 1 variant allele.
Comment: CUX2: PM2